The following is an entry in ClinVar:

NM_001384900.1(SEMA3D):c.1328T>A (p.Ile443Asn)

Gene: SEMA3D (semaphorin 3D; minus strand). Cytogenetic location: 7q21.11.
Variant type: single nucleotide variant.
Coding change: c.1328T>A on transcript NM_001384900.1 (MANE Select); coding-DNA position 1328, T replaced by A.
Protein change: p.Ile443Asn; replaces isoleucine 443 with asparagine.
Molecular consequence: missense variant.
Genome position (GRCh38, 1-based): chr7:85,022,477, A>T on the plus strand (T>A on the coding strand, the complement: SEMA3D is on the minus strand). VCF-style: chr7-85022477-A-T. GRCh37 (hg19) VCF-style: chr7-84651793-A-T.
Other names: c.1328T>A, p.Ile443Asn (NM_001384901.1, NM_001384902.1, NM_001384903.1 and 1 more transcripts); short protein forms I443N.
Identifiers: ClinVar variation 4999689 (VCV004999689.1).

ClinVar aggregate classification (germline): Uncertain significance (1 of 4 stars; one submission).

Conditions:
SEMA3D-related disorder. Also called: SEMA3D-related condition.

gnomAD v4.1: 14 of 1,612,478 alleles (0.00087%); highest among the groups gnomAD compares: African/African-American, 0.0013%; no homozygotes.

Submission:

PreventionGenetics, part of Exact Sciences
Classification: Uncertain significance for SEMA3D-related condition. Last evaluated: 2025-10-15. Review status: criteria provided, single submitter. Criteria: ACMG Guidelines, 2015. Collection method: clinical testing. Allele origin: germline.
Comment: The SEMA3D c.1328T>A variant is predicted to result in the amino acid substitution p.Ile443Asn. To our knowledge, this variant has not been reported in the literature. This variant is reported in 0.00088% of alleles in individuals of European (Non-Finnish) descent in gnomAD. At this time, the clinical significance of this variant is uncertain due to the absence of conclusive functional and genetic evidence.